The following is an entry in ClinVar:

NM_000384.3(APOB):c.11339C>T (p.Ala3780Val)

Gene: APOB (apolipoprotein B; minus strand). Cytogenetic location: 2p24.1.
Variant type: single nucleotide variant.
Coding change: c.11339C>T on transcript NM_000384.3 (MANE Select); coding-DNA position 11339, C replaced by T.
Protein change: p.Ala3780Val; replaces alanine 3780 with valine.
Molecular consequence: missense variant.
Genome position (GRCh38, 1-based): chr2:21,005,529, G>A on the plus strand (C>T on the coding strand, the complement: APOB is on the minus strand). VCF-style: chr2-21005529-G-A. GRCh37 (hg19) VCF-style: chr2-21228401-G-A.
Other names: short protein forms A3780V.
Identifiers: ClinVar variation 922421 (VCV000922421.10), dbSNP rs755025293, ClinGen allele CA046359.

ClinVar aggregate classification (germline): Conflicting classifications of pathogenicity. Review status: criteria provided, conflicting classifications (1 of 4 stars). 3 submissions from 3 submitters: Uncertain significance (2); Likely benign (1). Last evaluated 2024-10-15.

Conditions:
Familial hypobetalipoproteinemia 1. Also called: Hypobetalipoproteinemia, normotriglyceridemic; Acanthocytosis with hypobetalipoproteinemia; APOB-Related Familial Hypobetalipoproteinemia. Identifiers: MedGen C4551990, MONDO:0014252, OMIM 615558.
Hypercholesterolemia, autosomal dominant, type B (FHCL2). Also called: Familial Hypercholesterolemia Type B; HYPERCHOLESTEROLEMIA, FAMILIAL, DUE TO LIGAND-DEFECTIVE APOLIPOPROTEIN B; Familial hypercholesterolemia 2; APOB-Related Familial Hypercholesterolemia, Autosomal Dominant; APOLIPOPROTEIN B-100, FAMILIAL DEFECTIVE; APOLIPOPROTEIN B-100, FAMILIAL LIGAND-DEFECTIVE. Identifiers: MedGen C1704417, MONDO:0007751, OMIM 144010.
Cardiovascular phenotype. Identifiers: MedGen CN230736.

Allele frequency attached by ClinVar (database versions not stated): TOPMed below 0.00001; gnomAD exomes 0.00001 and 0.00002; ExAC 0.00002.
gnomAD v4.1: 6 of 1,614,060 alleles (0.00037%); highest among the groups gnomAD compares: South Asian, 0.0022%; no homozygotes.

Submissions (3):

Labcorp Genetics (formerly Invitae), Labcorp
Classification: Likely benign for Familial hypobetalipoproteinemia 1; Hypercholesterolemia, autosomal dominant, type B. Last evaluated: 2024-10-15. Review status: criteria provided, single submitter. Criteria: Invitae Variant Classification Sherloc (09022015). Collection method: clinical testing. Allele origin: germline.

Ambry Genetics
Classification: Uncertain significance for Cardiovascular phenotype. Last evaluated: 2024-03-27. Review status: criteria provided, single submitter. Criteria: Ambry Variant Classification Scheme 2023. Collection method: clinical testing. Allele origin: germline.
Comment: The p.A3780V variant (also known as c.11339C>T), located in coding exon 26 of the APOB gene, results from a C to T substitution at nucleotide position 11339. The alanine at codon 3780 is replaced by valine, an amino acid with similar properties. This amino acid position is conserved. In addition, this alteration is predicted to be tolerated by in silico analysis. Based on the available evidence, the clinical significance of this alteration remains unclear.

Fulgent Genetics
Classification: Uncertain significance for Hypercholesterolemia, autosomal dominant, type B; Familial hypobetalipoproteinemia 1. Last evaluated: 2021-08-19. Review status: criteria provided, single submitter. Criteria: ACMG Guidelines, 2015. Collection method: clinical testing. Allele origin: unknown.